The following is an entry in ClinVar:

NM_002474.3(MYH11):c.3148C>T (p.Arg1050Ter)

Gene: MYH11 (myosin heavy chain 11; minus strand). Cytogenetic location: 16p13.11.
Variant type: single nucleotide variant.
Coding change: c.3148C>T on transcript NM_002474.3 (MANE Select); coding-DNA position 3148, C replaced by T.
Protein change: p.Arg1050Ter; replaces arginine 1050 with a stop codon.
Molecular consequence: nonsense.
Genome position (GRCh38, 1-based): chr16:15,737,594, G>A on the plus strand (C>T on the coding strand, the complement: MYH11 is on the minus strand). VCF-style: chr16-15737594-G-A. GRCh37 (hg19) VCF-style: chr16-15831451-G-A.
Other names: c.3169C>T, p.Arg1057Ter (NM_001040113.2, NM_001040114.2); c.3148C>T, p.Arg1050Ter (NM_022844.3); short protein forms R1050*, R1057*.
Identifiers: ClinVar variation 523847 (VCV000523847.2), dbSNP rs1270195304, ClinGen allele CA394863320.
Genomic context (GRCh38, chr16:15,737,594, plus strand): 5'-GCTCGTGGAAGTCGCTGGCATCACCCTCCAGCTTCCGTTTCAGCTTCTCCAGCTCCTGTC[G>A]GCTCTTCTCTTCCTTCTTTAGCCGCACTGCAAAAACCAAGGTGCTCTTCAGGAAGGGGAG-3'

ClinVar aggregate classification (germline): Uncertain significance (1 of 4 stars; one submission).

Allele frequency attached by ClinVar (database versions not stated): TOPMed 0.00001; gnomAD exomes below 0.00001.
gnomAD v4.1: 6 of 1,613,358 alleles (0.00037%); highest among the groups gnomAD compares: South Asian, 0.0022%; no homozygotes.

Submission:

GeneDx
Classification: Uncertain significance. Last evaluated: 2018-03-26. Review status: criteria provided, single submitter. Criteria: GeneDx Variant Classification (06012015). Collection method: clinical testing. Allele origin: germline. Affected: yes.
Comment: A variant of uncertain significance has been identified in the MYH11 gene. The R1050X variant has not been published as pathogenic or been reported as benign to our knowledge. This variant is not observed at a significant frequency in large population cohorts (Lek et al., 2016). The R1050X variant is predicted to cause loss of normal protein function either by protein truncation or nonsense-mediated mRNA decay. However, the majority of pathogenic variants in MYH11 are missense changes, and the splice site variants and insertions/deletions reported in association with TAAD in the Human Gene Mutation Database (Stenson et al., 2014) all result in expression of aberrant or truncated protein rather than a null allele. Pathogenic variants in MYH11 are thought to cause disease through dominant-negative inhibition of myosin assembly, and haploinsufficiency is not currently considered to be a mechanism of disease.